The following is an entry in ClinVar:

NM_001271.4(CHD2):c.2728-53G>A

Gene: CHD2 (chromodomain helicase DNA binding protein 2; plus strand). Cytogenetic location: 15q26.1.
Variant type: single nucleotide variant.
Coding change: c.2728-53G>A on transcript NM_001271.4 (MANE Select); 53 bases into the intron before coding-DNA position 2728, G replaced by A.
Molecular consequence: intron variant.
Genome position (GRCh38, 1-based): chr15:92,979,082, G>A. VCF-style: chr15-92979082-G-A. GRCh37 (hg19) VCF-style: chr15-93522312-G-A.
Other names: NC_000015.9:g.93522312G>A.
Identifiers: ClinVar variation 678926 (VCV000678926.7), dbSNP rs2272461, ClinGen allele CA15839385.

ClinVar aggregate classification (germline): Benign. Review status: criteria provided, multiple submitters, no conflicts (2 of 4 stars). 4 submissions from 4 submitters: Benign (4). Last evaluated 2024-07-15.

Conditions:
Developmental and epileptic encephalopathy 94 (DEE94). Also called: Epileptic encephalopathy, childhood-onset; CHD2-Related Neurodevelopmental Disorders. Identifiers: Orphanet 1942, Orphanet 2382, MedGen C3809278, MONDO:0014150, OMIM 615369.

Allele frequency attached by ClinVar (database versions not stated): gnomAD 0.62681 and 0.63186; 1000 Genomes Project 30x 0.63492; TOPMed 0.64130; 1000 Genomes Project 0.64696.
gnomAD v4.1: 1,066,548 of 1,575,114 alleles (68%); highest among the groups gnomAD compares: Middle Eastern, 81%; 363,109 homozygotes.

Submissions (5):

Unidad de Genómica Garrahan, Hospital de Pediatría Garrahan
Classification: Benign. Last evaluated: 2024-07-15. Review status: criteria provided, single submitter. Criteria: ACMG Guidelines, 2015. Collection method: clinical testing. Allele origin: germline. Affected: no. Observed: 21 variant alleles.
Comment: This variant is classified as Benign based on local population frequency. This variant was detected in 23% of patients studied in a panel designed for Epileptic and Developmental Encephalopathy and Progressive Myoclonus Epilepsy. Number of patients: 21. Only high quality variants are reported.

Genome-Nilou Lab
Classification: Benign for Developmental and epileptic encephalopathy 94. Last evaluated: 2021-07-22. Review status: criteria provided, single submitter. Criteria: ACMG Guidelines, 2015. Collection method: clinical testing. Allele origin: germline. Affected: no.

GeneDx
Classification: Benign. Last evaluated: 2018-06-14. Review status: criteria provided, single submitter. Criteria: GeneDx Variant Classification (06012015). Collection method: clinical testing. Allele origin: germline. Affected: yes.
Comment: This variant is considered likely benign or benign based on one or more of the following criteria: it is a conservative change, it occurs at a poorly conserved position in the protein, it is predicted to be benign by multiple in silico algorithms, and/or has population frequency not consistent with disease.

Breakthrough Genomics
Classification: Benign. Review status: criteria provided, single submitter. Criteria: ACMG Guidelines, 2015. Collection method: not provided. Allele origin: germline. Inheritance: Autosomal dominant inheritance. Affected: yes.

Dr. Peter K. Rogan Lab, Western University
No classification provided (evidence only). Condition: Hepatocellular carcinoma. Review status: no classification provided. Collection method: in vitro. Allele origin: not applicable. Functional consequence: retained intron. Not counted in ClinVar's aggregate classification.